The following is an entry in ClinVar:

ClinVar aggregate classification (germline): Uncertain significance (1 of 4 stars; one submission).

Conditions:
Hereditary cancer-predisposing syndrome. Also called: Hereditary neoplastic syndrome; Neoplastic Syndromes, Hereditary; Tumor predisposition; Hereditary Cancer Syndrome. Identifiers: Orphanet 140162, MedGen C0027672, MeSH D009386, MONDO:0015356.

Submission:

Ambry Genetics
Classification: Uncertain significance for Hereditary cancer-predisposing syndrome. Last evaluated: 2025-02-08. Review status: criteria provided, single submitter. Criteria: Ambry Variant Classification Scheme 2023. Collection method: clinical testing. Allele origin: germline.
Comment: The p.S1076R variant (also known as c.3228C>G), located in coding exon 19 of the DICER1 gene, results from a C to G substitution at nucleotide position 3228. The serine at codon 1076 is replaced by arginine, an amino acid with dissimilar properties. This amino acid position is conserved. In addition, this alteration is predicted to be tolerated by in silico analysis. Based on the available evidence, the clinical significance of this variant remains unclear.

NM_177438.3(DICER1):c.3228C>G (p.Ser1076Arg)

Gene: DICER1 (dicer 1, ribonuclease III; minus strand). Cytogenetic location: 14q32.13.
Variant type: single nucleotide variant.
Coding change: c.3228C>G on transcript NM_177438.3 (MANE Select); coding-DNA position 3228, C replaced by G.
Protein change: p.Ser1076Arg; replaces serine 1076 with arginine.
Molecular consequence: missense variant. On other transcripts: non-coding transcript variant (6).
Genome position (GRCh38, 1-based): chr14:95,105,112, G>C on the plus strand (C>G on the coding strand, the complement: DICER1 is on the minus strand). VCF-style: chr14-95105112-G-C. GRCh37 (hg19) VCF-style: chr14-95571449-G-C.
Other names: c.3228C>G, p.Ser1076Arg (NM_001395684.1, NM_001395692.1, NM_001395694.1 and 12 more transcripts); c.2823C>G, p.Ser941Arg (NM_001395688.1, NM_001395687.1, NM_001395689.1 and 2 more transcripts); c.2946C>G, p.Ser982Arg (NM_001395686.1); c.2661C>G, p.Ser887Arg (NM_001395691.1); c.1545C>G, p.Ser515Arg (NM_001395697.1); short protein forms S515R, S1076R, S887R, S941R, S982R.
Identifiers: ClinVar variation 3840031 (VCV003840031.1).